The following is an entry in ClinVar:

ClinVar aggregate classification (germline): Conflicting classifications of pathogenicity. Review status: criteria provided, conflicting classifications (1 of 4 stars). 4 submissions from 4 submitters: Uncertain significance (2); Likely benign (1). 1 of the submissions does not count toward it. Last evaluated 2025-06-27.

Conditions:
Hereditary cancer-predisposing syndrome. Also called: Tumor predisposition; Hereditary Cancer Syndrome; Neoplastic Syndromes, Hereditary; Hereditary neoplastic syndrome. Identifiers: Orphanet 140162, MedGen C0027672, MeSH D009386, MONDO:0015356.
Hereditary breast ovarian cancer syndrome. Also called: Breast and ovarian cancer; Hereditary breast and ovarian cancer; Hereditary breast and ovarian cancer syndrome; BRCA1- and BRCA2-Associated Hereditary Breast and Ovarian Cancer; Hereditary breast and ovarian cancer syndrome (HBOC); Hereditary breast and/or ovarian cancer syndrome. Identifiers: Orphanet 145, MedGen C0677776, MeSH D061325, MONDO:0003582. Disease mechanism: loss of function.
Breast-ovarian cancer, familial, susceptibility to, 2 (BROVCA2). Also called: BRCA2 Hereditary Breast and Ovarian Cancer. Identifiers: Orphanet 145, MedGen C2675520, MONDO:0012933, OMIM 612555. Disease mechanism: loss of function.

Allele frequency attached by ClinVar (database versions not stated): gnomAD exomes below 0.00001; ExAC 0.00001.
gnomAD v4.1: 1 of 1,612,576 alleles (0.000062%); highest among the groups gnomAD compares: South Asian, 0.0011%; no homozygotes.

Submissions (4):

Labcorp Genetics (formerly Invitae), Labcorp
Classification: Uncertain significance for Hereditary breast ovarian cancer syndrome. Last evaluated: 2025-06-27. Review status: criteria provided, single submitter. Criteria: Invitae Variant Classification Sherloc (09022015). Collection method: clinical testing. Allele origin: germline.
Comment: This sequence change replaces asparagine, which is neutral and polar, with serine, which is neutral and polar, at codon 2452 of the BRCA2 protein (p.Asn2452Ser). This variant is present in population databases (rs398122581, gnomAD 0.003%). This variant has not been reported in the literature in individuals affected with BRCA2-related conditions. ClinVar contains an entry for this variant (Variation ID: 91476). Invitae Evidence Modeling of protein sequence and biophysical properties (such as structural, functional, and spatial information, amino acid conservation, physicochemical variation, residue mobility, and thermodynamic stability) indicates that this missense variant is not expected to disrupt BRCA2 protein function with a negative predictive value of 95%. In summary, the available evidence is currently insufficient to determine the role of this variant in disease. Therefore, it has been classified as a Variant of Uncertain Significance.

GeneDx
Classification: Uncertain significance. Last evaluated: 2022-12-30. Review status: criteria provided, single submitter. Criteria: GeneDx Variant Classification Process June 2021. Collection method: clinical testing. Allele origin: germline. Affected: yes.
Comment: Not observed at significant frequency in large population cohorts (gnomAD); In silico analysis supports that this missense variant does not alter protein structure/function; Has not been previously published as pathogenic or benign to our knowledge; Also known as 7583A>G; This variant is associated with the following publications: (PMID: 29884841, 32377563)

Ambry Genetics
Classification: Likely benign for Hereditary cancer-predisposing syndrome. Last evaluated: 2017-04-20. Review status: criteria provided, single submitter. Criteria: Ambry Variant Classification Scheme 2023. Collection method: clinical testing. Allele origin: germline.

Sharing Clinical Reports Project (SCRP)
Classification: Uncertain significance for Breast-ovarian cancer, familial 2. Last evaluated: 2009-12-14. Review status: no assertion criteria provided. Collection method: clinical testing. Allele origin: germline. Not counted in ClinVar's aggregate classification.

NM_000059.4(BRCA2):c.7355A>G (p.Asn2452Ser)

Gene: BRCA2 (BRCA2 DNA repair associated; plus strand). Cytogenetic location: 13q13.1.
Variant type: single nucleotide variant.
Coding change: c.7355A>G on transcript NM_000059.4 (MANE Select); coding-DNA position 7355, A replaced by G.
Protein change: p.Asn2452Ser; replaces asparagine 2452 with serine.
Molecular consequence: missense variant.
Genome position (GRCh38, 1-based): chr13:32,355,208, A>G. VCF-style: chr13-32355208-A-G. GRCh37 (hg19) VCF-style: chr13-32929345-A-G.
Other names: 7583A>G; short protein forms N2452S.
Identifiers: ClinVar variation 91476 (VCV000091476.17), dbSNP rs398122581, ClinGen allele CA025041.
Genomic context (GRCh38, chr13:32,355,208, plus strand): 5'-GACAAAAGCAAAACATTGATGGACATGGCTCTGATGATAGTAAAAATAAGATTAATGACA[A>G]TGAGATTCATCAGTTTAACAAAAACAACTCCAATCAAGCAGTAGCTGTAACTTTCACAAA-3'
Protein context (NP_000050.3, residues 2442-2462): SDDSKNKIND[Asn2452Ser]EIHQFNKNNS